The following is an entry in ClinVar:

ClinVar aggregate classification (germline): Uncertain significance (1 of 4 stars; one submission).

Submission:

Labcorp Genetics (formerly Invitae), Labcorp
Classification: Uncertain significance. Last evaluated: 2022-02-11. Review status: criteria provided, single submitter. Criteria: Invitae Variant Classification Sherloc (09022015). Collection method: clinical testing. Allele origin: germline.
Comment: In summary, the available evidence is currently insufficient to determine the role of this variant in disease. Therefore, it has been classified as a Variant of Uncertain Significance. Algorithms developed to predict the effect of missense changes on protein structure and function (SIFT, PolyPhen-2, Align-GVGD) all suggest that this variant is likely to be tolerated. This variant has not been reported in the literature in individuals affected with ADAMTS9-related conditions. This variant is not present in population databases (gnomAD no frequency). This sequence change replaces serine, which is neutral and polar, with arginine, which is basic and polar, at codon 1177 of the ADAMTS9 protein (p.Ser1177Arg).

NM_182920.2(ADAMTS9):c.3529A>C (p.Ser1177Arg)

Gene: ADAMTS9 (ADAM metallopeptidase with thrombospondin type 1 motif 9; minus strand). Cytogenetic location: 3p14.1.
Variant type: single nucleotide variant.
Coding change: c.3529A>C on transcript NM_182920.2 (MANE Select); coding-DNA position 3529, A replaced by C.
Protein change: p.Ser1177Arg; replaces serine 1177 with arginine.
Molecular consequence: missense variant.
Genome position (GRCh38, 1-based): chr3:64,604,277, T>G on the plus strand (A>C on the coding strand, the complement: ADAMTS9 is on the minus strand). VCF-style: chr3-64604277-T-G. GRCh37 (hg19) VCF-style: chr3-64589953-T-G.
Other names: c.3445A>C, p.Ser1149Arg (NM_001318781.2); short protein forms S1177R, S1149R.
Identifiers: ClinVar variation 2096640 (VCV002096640.4), dbSNP rs2471366540, ClinGen allele CA353443616.